The following is an entry in ClinVar:

ClinVar aggregate classification (germline): Uncertain significance (1 of 4 stars; one submission).

Conditions:
Short-rib thoracic dysplasia 13 with or without polydactyly (SRTD13). Identifiers: Orphanet 474, MedGen C4225378, MONDO:0014577, OMIM 616300.

Allele frequency attached by ClinVar (database versions not stated): ExAC 0.00001; gnomAD 0.00001; gnomAD exomes 0.00001; TOPMed 0.00001.
gnomAD v4.1: 8 of 1,612,256 alleles (0.0005%); highest among the groups gnomAD compares: Admixed American, 0.013%; no homozygotes.

Submission:

Labcorp Genetics (formerly Invitae), Labcorp
Classification: Uncertain significance for Short-rib thoracic dysplasia 13 with or without polydactyly. Last evaluated: 2022-11-29. Review status: criteria provided, single submitter. Criteria: Invitae Variant Classification Sherloc (09022015). Collection method: clinical testing. Allele origin: germline.
Comment: In summary, the available evidence is currently insufficient to determine the role of this variant in disease. Therefore, it has been classified as a Variant of Uncertain Significance. Advanced modeling of protein sequence and biophysical properties (such as structural, functional, and spatial information, amino acid conservation, physicochemical variation, residue mobility, and thermodynamic stability) performed at Invitae indicates that this missense variant is not expected to disrupt CEP120 protein function. This variant has not been reported in the literature in individuals affected with CEP120-related conditions. This variant is present in population databases (rs775747603, gnomAD 0.02%). This sequence change replaces isoleucine, which is neutral and non-polar, with valine, which is neutral and non-polar, at codon 820 of the CEP120 protein (p.Ile820Val).

NM_001375405.1(CEP120):c.2458A>G (p.Ile820Val)

Gene: CEP120 (centrosomal protein 120; minus strand). Cytogenetic location: 5q23.2.
Variant type: single nucleotide variant.
Coding change: c.2458A>G on transcript NM_001375405.1 (MANE Select); coding-DNA position 2458, A replaced by G.
Protein change: p.Ile820Val; replaces isoleucine 820 with valine.
Molecular consequence: missense variant. On other transcripts: non-coding transcript variant (1).
Genome position (GRCh38, 1-based): chr5:123,372,673, T>C on the plus strand (A>G on the coding strand, the complement: CEP120 is on the minus strand). VCF-style: chr5-123372673-T-C. GRCh37 (hg19) VCF-style: chr5-122708367-T-C.
Other names: c.2380A>G, p.Ile794Val (NM_001166226.2); c.2323A>G, p.Ile775Val (NM_001375406.1); c.2458A>G, p.Ile820Val (NM_001375407.1, NM_153223.4); c.1885A>G, p.Ile629Val (NM_001375408.1, NM_001375409.1); short protein forms I820V, I629V, I794V, I775V.
Identifiers: ClinVar variation 2103953 (VCV002103953.2), dbSNP rs775747603, ClinGen allele CA3386618.